The following is an entry in ClinVar:

ClinVar aggregate classification (germline): Uncertain significance (1 of 4 stars; one submission).

Conditions:
Left ventricular noncompaction 1 (LVNC1). Also called: LEFT VENTRICULAR NONCOMPACTION 1 WITH OR WITHOUT CONGENITAL HEART DEFECTS. Identifiers: Orphanet 54260, MedGen C1858725, MONDO:0011403, OMIM 604169.

Allele frequency attached by ClinVar (database versions not stated): gnomAD exomes below 0.00001; TOPMed 0.00001.
gnomAD v4.1: 3 of 1,613,848 alleles (0.00019%); highest among the groups gnomAD compares: Non-Finnish European, 0.00025%; no homozygotes.

Submission:

Labcorp Genetics (formerly Invitae), Labcorp
Classification: Uncertain significance for Left ventricular noncompaction 1. Last evaluated: 2022-07-31. Review status: criteria provided, single submitter. Criteria: Invitae Variant Classification Sherloc (09022015). Collection method: clinical testing. Allele origin: germline.
Comment: In summary, the available evidence is currently insufficient to determine the role of this variant in disease. Therefore, it has been classified as a Variant of Uncertain Significance. Algorithms developed to predict the effect of missense changes on protein structure and function are either unavailable or do not agree on the potential impact of this missense change (SIFT: "Deleterious"; PolyPhen-2: "Probably Damaging"; Align-GVGD: "Class C15"). This variant has not been reported in the literature in individuals affected with DTNA-related conditions. This variant is not present in population databases (gnomAD no frequency). This sequence change replaces serine, which is neutral and polar, with phenylalanine, which is neutral and non-polar, at codon 33 of the DTNA protein (p.Ser33Phe).

NM_001386795.1(DTNA):c.98C>T (p.Ser33Phe)

Genes: DTNA (dystrobrevin alpha; plus strand), DTNA-AS1 (DTNA antisense RNA 1; minus strand). Cytogenetic location: 18q12.1.
Variant type: single nucleotide variant.
Coding change: c.98C>T on transcript NM_001386795.1 (MANE Select); coding-DNA position 98, C replaced by T.
Protein change: p.Ser33Phe; replaces serine 33 with phenylalanine.
Molecular consequence: missense variant.
Genome position (GRCh38, 1-based): chr18:34,765,991, C>T. VCF-style: chr18-34765991-C-T. GRCh37 (hg19) VCF-style: chr18-32345955-C-T.
Other names: c.98C>T, p.Ser33Phe (NM_001128175.2, NM_001198938.2, NM_001198939.2 and 35 more transcripts); short protein forms S33F.
Identifiers: ClinVar variation 2184825 (VCV002184825.4), dbSNP rs2093447664, ClinGen allele CA402274630.
Genomic context (GRCh38, chr18:34,765,991, plus strand): 5'-TACCTTATGTGTCCTTTTTCCCCGCACTAGGGGCTCAAGATCTGGATCGCATCCGACTCT[C>T]CACCTACAGAACAGCATGCAAGCTTAGGTTTGTTCAGAAGAAATGCAATTGTAAGTATGC-3'
Protein context (NP_001373724.1, residues 23-43): RAQDLDRIRL[Ser33Phe]TYRTACKLRF